The following is an entry in ClinVar:

ClinVar aggregate classification (germline): Uncertain significance (1 of 4 stars; one submission).

Conditions:
Phelan-McDermid syndrome. Also called: TELOMERIC 22q13 MONOSOMY SYNDROME; 22q13.3 deletion syndrome; Phelan-McDermid Syndrome-SHANK3 Related. Identifiers: Orphanet 48652, MedGen C1853490, MONDO:0011652, OMIM 606232.

Submission:

Dasa
Classification: Uncertain significance for Phelan-McDermid syndrome. Last evaluated: 2025-12-30. Review status: criteria provided, single submitter. Criteria: DASA Assertion Criteria. Collection method: clinical testing. Allele origin: germline.
Comment: NM_001372044.2(SHANK3):c.96del (p.Gly33Alafs*159) is a frameshift variant in SHANK3 predicted to alter the reading frame and introduce a premature termination codon and is predicted to result in an absent or altered protein product. This variant is rare in population databases. The currently available literature and clinical evidence are not sufficient to establish a definitive association between this variant and the reported condition. Therefore, this variant is classified as a variant of uncertain significance.

NM_001372044.2(SHANK3):c.96del (p.Gly33fs)

Gene: SHANK3 (SH3 and multiple ankyrin repeat domains 3; plus strand). Cytogenetic location: 22q13.33.
Variant type: Deletion.
Coding change: c.96del on transcript NM_001372044.2 (MANE Select); coding-DNA position 96, one base deleted (C; older notation c.96delC).
Protein change: p.Gly33fs; shifts the reading frame from glycine 33.
Molecular consequence: frameshift variant.
Genome position (GRCh38, 1-based): chr22:50,674,510, C deleted; the last of 8 consecutive C bases (chr22:50,674,503-50,674,510); deleting any one gives the same sequence. VCF-style (leftmost placement, unchanged base first): chr22-50674502-GC-G. GRCh37 (hg19) VCF-style: chr22-51112930-GC-G.
Other names: short protein forms G33fs.
Identifiers: ClinVar variation 4883956 (VCV004883956.2).